The following is an entry in ClinVar:

ClinVar aggregate classification (germline): Likely pathogenic (1 of 4 stars; one submission).

Conditions:
Familial cancer of breast. Also called: Hereditary breast cancer; BREAST CANCER, FAMILIAL; hereditary breast carcinoma. Identifiers: Orphanet 227535, MedGen C0346153, MONDO:0016419, OMIM 114480. Disease mechanism: loss of function.

Submission:

Myriad Genetics, Inc.
Classification: Likely pathogenic for Familial cancer of breast. Last evaluated: 2023-05-24. Review status: criteria provided, single submitter. Criteria: Myriad Autosomal Dominant, Autosomal Recessive and X-Linked Classification Criteria (2023). Collection method: clinical testing. Allele origin: unknown.
Comment: This variant is considered likely pathogenic. This variant occurs within a consensus splice junction and is predicted to result in abnormal mRNA splicing of either an out-of-frame exon or an in-frame exon necessary for protein stability and/or normal function.

NM_000465.4(BARD1):c.1914_2001+77del

Gene: BARD1 (BRCA1 associated RING domain 1; minus strand). Cytogenetic location: 2q35.
Variant type: Deletion.
Coding change: c.1914_2001+77del on transcript NM_000465.4 (MANE Select); coding-DNA position 1914 through 77 bases into the intron after coding-DNA position 2001, 165 bases deleted.
Molecular consequence: splice donor variant.
Genome position (GRCh38, 1-based): chr2:214,730,334-214,730,498, 165 bases deleted. GRCh37 (hg19): chr2:215,595,060-215,595,224.
Other names: c.504_591+77del (NM_001282548.2); c.1857_1944+77del (NM_001282543.2); c.561_648+77del (NM_001282545.2); c.375_462+77del (NM_001282549.2).
Identifiers: ClinVar variation 2583698 (VCV002583698.2), dbSNP rs2469276251, ClinGen allele CA2582342055.